The following is an entry in ClinVar:

ClinVar aggregate classification (germline): Uncertain significance. Review status: criteria provided, single submitter (1 of 4 stars). 2 submissions from 2 submitters: Uncertain significance (1). 1 of the submissions does not count toward it. Last evaluated 2025-08-23.

Conditions:
SH2B1-related disorder. Also called: SH2B1-related condition.

gnomAD v4.1: 49 of 1,474,880 alleles (0.0033%); highest among the groups gnomAD compares: Admixed American, 0.013%; no homozygotes.

Submissions (2):

Ambry Genetics
Classification: Uncertain significance. Last evaluated: 2025-08-23. Review status: criteria provided, single submitter. Criteria: Ambry Variant Classification Scheme 2023. Collection method: clinical testing. Allele origin: germline.

PreventionGenetics, part of Exact Sciences
Classification: Uncertain significance for SH2B1-related condition. Last evaluated: 2024-08-29. Review status: no assertion criteria provided. Collection method: clinical testing. Allele origin: germline. Not counted in ClinVar's aggregate classification.
Comment: The SH2B1 c.2213G>A variant is predicted to result in the amino acid substitution p.Gly738Asp. To our knowledge, this variant has not been reported in the literature. This variant is reported in 0.0065% of alleles in individuals of African descent in gnomAD. At this time, the clinical significance of this variant is uncertain due to the absence of conclusive functional and genetic evidence.

NM_001387430.1(SH2B1):c.2213G>A (p.Gly738Asp)

Gene: SH2B1 (SH2B adaptor protein 1; plus strand). Cytogenetic location: 16p11.2.
Variant type: single nucleotide variant.
Coding change: c.2213G>A on transcript NM_001387430.1 (MANE Select); coding-DNA position 2213, G replaced by A.
Protein change: p.Gly738Asp; replaces glycine 738 with aspartic acid.
Molecular consequence: missense variant. On other transcripts: 3 prime UTR variant (5).
Genome position (GRCh38, 1-based): chr16:28,873,762, G>A. VCF-style: chr16-28873762-G-A. GRCh37 (hg19) VCF-style: chr16-28885083-G-A.
Other names: c.2213G>A, p.Gly738Asp (NM_001145795.2, NM_001308293.2, NM_001387404.1); c.*297G>A (NM_001145796.2, NM_001145812.2, NM_001308294.2 and 1 more transcripts); c.*314G>A (NM_001145797.2); short protein forms G738D.
Identifiers: ClinVar variation 3356928 (VCV003356928.2).